The following is an entry in ClinVar:

NM_024334.3(TMEM43):c.637G>C (p.Asp213His)

Gene: TMEM43 (transmembrane protein 43; plus strand). Cytogenetic location: 3p25.1.
Variant type: single nucleotide variant.
Coding change: c.637G>C on transcript NM_024334.3 (MANE Select); coding-DNA position 637, G replaced by C.
Protein change: p.Asp213His; replaces aspartic acid 213 with histidine.
Molecular consequence: missense variant.
Genome position (GRCh38, 1-based): chr3:14,134,823, G>C. VCF-style: chr3-14134823-G-C. GRCh37 (hg19) VCF-style: chr3-14176323-G-C.
Other names: c.640G>C, p.Asp214His (NM_001407274.1); c.637G>C, p.Asp213His (NM_001407275.1, NM_001407276.1, NM_001407277.1 and 1 more transcripts); c.622G>C, p.Asp208His (NM_001407278.1); c.487G>C, p.Asp163His (NM_001407280.1); short protein forms D163H, D208H, D213H, D214H.
Identifiers: ClinVar variation 4758364 (VCV004758364.1).

ClinVar aggregate classification (germline): Uncertain significance (1 of 4 stars; one submission).

Conditions:
Cardiomyopathy (CMYO). Also called: Cardiomyopathies. Identifiers: Orphanet 167848, MedGen C0878544, MONDO:0004994, HP:0001638. Inheritance: Various modes of inheritance.

Submission:

Color Diagnostics, LLC DBA Color Health
Classification: Uncertain significance for Cardiomyopathy. Last evaluated: 2025-09-01. Review status: criteria provided, single submitter. Criteria: ACMG Guidelines, 2015. Collection method: clinical testing. Allele origin: germline.
Comment: This missense variant replaces aspartic acid with histidine at codon 213 of the TMEM43 protein. Computational prediction suggests that this variant may not impact protein structure and function. To our knowledge, functional studies have not been reported for this variant. This variant has not been reported in individuals affected with TMEM43-related disorders in the literature. This variant has not been identified in the general population by the Genome Aggregation Database (gnomAD). The available evidence is insufficient to determine the role of this variant in disease conclusively. Therefore, this variant is classified as a Variant of Uncertain Significance.